The following is an entry in ClinVar:

ClinVar aggregate classification (germline): Conflicting classifications of pathogenicity. Review status: criteria provided, conflicting classifications (1 of 4 stars). 2 submissions from 2 submitters: Likely pathogenic (1); Uncertain significance (1). Last evaluated 2023-02-24.

Conditions:
Multiple endocrine neoplasia, type 1 (MEN1). Also called: MEN I; WERMER SYNDROME; Endocrine adenomatosis multiple; MEN 1; MEA I. Identifiers: Orphanet 652, MedGen C0025267, MeSH D018761, MONDO:0007540, OMIM 131100.

Submissions (2):

GeneDx
Classification: Likely pathogenic. Last evaluated: 2023-02-24. Review status: criteria provided, single submitter. Criteria: GeneDx Variant Classification Process June 2021. Collection method: clinical testing. Allele origin: germline. Affected: yes.
Comment: In silico analysis supports that this missense variant has a deleterious effect on protein structure/function; Not observed at significant frequency in large population cohorts (gnomAD); This variant is associated with the following publications: (PMID: 15281352, 17879353, 15635078, 9989505, 10993647)

Labcorp Genetics (formerly Invitae), Labcorp
Classification: Uncertain significance for Multiple endocrine neoplasia, type 1. Last evaluated: 2018-03-21. Review status: criteria provided, single submitter. Criteria: Invitae Variant Classification Sherloc (09022015). Collection method: clinical testing. Allele origin: germline.
Comment: In summary, the available evidence is currently insufficient to determine the role of this variant in disease. Therefore, it has been classified as a Variant of Uncertain Significance. Algorithms developed to predict the effect of missense changes on protein structure and function do not agree on the potential impact of this missense change (SIFT: "Deleterious"; PolyPhen-2: "Probably Damaging"; Align-GVGD: "Class C0"). This variant has been reported in families affected with multiple endocrine neoplasia type 1 (PMID: 10993647, 15635078). This variant is also known as 7254G>C, in the literature. This variant is not present in population databases (ExAC no frequency). This sequence change replaces arginine with proline at codon 415 of the MEN1 protein (p.Arg415Pro). The arginine residue is highly conserved and there is a moderate physicochemical difference between arginine and proline.

Literature cited by the submitters: PubMed 10993647 (cited by Labcorp Genetics (formerly Invitae), Labcorp); PubMed 15635078 (cited by Labcorp Genetics (formerly Invitae), Labcorp).

NM_001370259.2(MEN1):c.1244G>C (p.Arg415Pro)

Gene: MEN1 (menin 1; minus strand). Cytogenetic location: 11q13.1.
Variant type: single nucleotide variant.
Coding change: c.1244G>C on transcript NM_001370259.2 (MANE Select); coding-DNA position 1244, G replaced by C.
Protein change: p.Arg415Pro; replaces arginine 415 with proline.
Molecular consequence: missense variant.
Genome position (GRCh38, 1-based): chr11:64,805,140, C>G on the plus strand (G>C on the coding strand, the complement: MEN1 is on the minus strand). VCF-style: chr11-64805140-C-G. GRCh37 (hg19) VCF-style: chr11-64572612-C-G.
Other names: c.1244G>C, p.Arg415Pro (NM_130799.3, NM_001370260.2, NM_001370261.2); c.1259G>C, p.Arg420Pro (NM_130800.3, NM_130801.3, NM_130802.3 and 3 more transcripts); c.1370G>C, p.Arg457Pro (NM_001370251.2); c.1139G>C, p.Arg380Pro (NM_001370262.2, NM_001370263.2); short protein forms R415P, R420P, R457P, R380P.
Identifiers: ClinVar variation 527262 (VCV000527262.9), dbSNP rs1446518998, ClinGen allele CA381180568.